The following is an entry in ClinVar:

ClinVar aggregate classification (germline): Uncertain significance. Review status: criteria provided, multiple submitters, no conflicts (2 of 4 stars). 4 submissions from 4 submitters: Uncertain significance (4). Last evaluated 2026-06-17.

Conditions:
Cardiovascular phenotype. Identifiers: MedGen CN230736.
Dilated cardiomyopathy 1M (CMD1M). Identifiers: Orphanet 154, MedGen C1843808, MONDO:0011840, OMIM 607482.
Hypertrophic cardiomyopathy 12. Identifiers: MedGen C2677491, MONDO:0012804, OMIM 612124.

Allele frequency attached by ClinVar (database versions not stated): ExAC 0.00001.

Submissions (4):

Ambry Genetics
Classification: Uncertain significance for Cardiovascular phenotype. Last evaluated: 2026-06-17. Review status: criteria provided, single submitter. Criteria: Ambry Variant Classification Scheme 2023. Collection method: clinical testing. Allele origin: germline.

Dasa
Classification: Uncertain significance. Last evaluated: 2026-03-04. Review status: criteria provided, single submitter. Criteria: DASA Assertion Criteria. Collection method: clinical testing. Allele origin: germline.
Comment: NM_003476.5(CSRP3):c.467C>T (p.Ser156Phe) is a missense variant that results in the substitution of serine with phenylalanine. This variant is absent from population databases. Computational prediction algorithms are consistent with a deleterious effect. The currently available literature and clinical evidence are not sufficient to establish a definitive association between this variant and the reported condition. Therefore, this variant is classified as a variant of uncertain significance.

Labcorp Genetics (formerly Invitae), Labcorp
Classification: Uncertain significance for Hypertrophic cardiomyopathy 12; Dilated cardiomyopathy 1M. Last evaluated: 2024-11-18. Review status: criteria provided, single submitter. Criteria: Invitae Variant Classification Sherloc (09022015). Collection method: clinical testing. Allele origin: germline.
Comment: This sequence change replaces serine, which is neutral and polar, with phenylalanine, which is neutral and non-polar, at codon 156 of the CSRP3 protein (p.Ser156Phe). This variant is present in population databases (rs758379114, gnomAD 0.0009%). This variant has not been reported in the literature in individuals affected with CSRP3-related conditions. ClinVar contains an entry for this variant (Variation ID: 1303968). An algorithm developed to predict the effect of missense changes on protein structure and function (PolyPhen-2) suggests that this variant is likely to be disruptive. In summary, the available evidence is currently insufficient to determine the role of this variant in disease. Therefore, it has been classified as a Variant of Uncertain Significance.

GeneDx
Classification: Uncertain significance. Last evaluated: 2018-06-21. Review status: criteria provided, single submitter. Criteria: GeneDx Variant Classification Process June 2021. Collection method: clinical testing. Allele origin: germline. Affected: yes.

NM_003476.5(CSRP3):c.467C>T (p.Ser156Phe)

Gene: CSRP3 (cysteine and glycine rich protein 3; minus strand). Cytogenetic location: 11p15.1.
Variant type: single nucleotide variant.
Coding change: c.467C>T on transcript NM_003476.5 (MANE Select); coding-DNA position 467, C replaced by T.
Protein change: p.Ser156Phe; replaces serine 156 with phenylalanine.
Molecular consequence: missense variant.
Genome position (GRCh38, 1-based): chr11:19,184,993, G>A on the plus strand (C>T on the coding strand, the complement: CSRP3 is on the minus strand). VCF-style: chr11-19184993-G-A. GRCh37 (hg19) VCF-style: chr11-19206540-G-A.
Other names: c.298C>T, p.Pro100Ser (NM_001369404.1); c.467C>T (NM_003476.3); short protein forms P100S, S156F.
Identifiers: ClinVar variation 1303968 (VCV001303968.15), dbSNP rs758379114, ClinGen allele CA5916535.
Genomic context (GRCh38, chr11:19,184,993, plus strand): 5'-AGTCTCCAGAATCACTCACCTTTGCAATAAAGTTCCCCATCTTTGTCAGTGACATTTGTG[G>A]ACTCCAGACTCTTCCCACAGATGGCACAGCGGAAACAGGTCTTGTGCCAAGGCTGAGGGG-3'
Protein context (NP_003467.1, residues 146-166): RCAICGKSLE[Ser156Phe]TNVTDKDGEL